The following is an entry in ClinVar:

ClinVar aggregate classification (germline): Uncertain significance (1 of 4 stars; one submission).

Conditions:
Peroxisome biogenesis disorder 9B. Also called: PEROXISOME BIOGENESIS DISORDER, PEX7-RELATED, ATYPICAL; PEX7-Related Refsum Disease; Refsum disease, adult, 2. Identifiers: Orphanet 773, MedGen C2749346, MONDO:0013945, OMIM 614879.

Submission:

Labcorp Genetics (formerly Invitae), Labcorp
Classification: Uncertain significance for Peroxisome biogenesis disorder 9B. Last evaluated: 2022-07-19. Review status: criteria provided, single submitter. Criteria: Invitae Variant Classification Sherloc (09022015). Collection method: clinical testing. Allele origin: germline.
Comment: This variant results in a copy number gain of the genomic region encompassing exon(s) 1 of the PEX7 gene. This region includes the initiator codon of the gene. This copy number gain extends beyond the assayed region for this gene and therefore may encompass additional genes. As the precise location of this event is unknown, it may be in tandem or it may be located elsewhere in the genome. This variant has not been reported in the literature in individuals affected with PEX7-related conditions. In summary, the available evidence is currently insufficient to determine the role of this variant in disease. Therefore, it has been classified as a Variant of Uncertain Significance.

NC_000006.11:g.(?_137143759)_(137143953_?)dup

Gene: PEX7 (peroxisomal biogenesis factor 7; plus strand). Cytogenetic location: 6q23.3.
Variant type: Duplication.
Identifiers: ClinVar variation 2422818 (VCV002422818.3).